The following is an entry in ClinVar:

ClinVar aggregate classification (germline): Conflicting classifications of pathogenicity. Review status: criteria provided, conflicting classifications (1 of 4 stars). 7 submissions from 7 submitters: Uncertain significance (5); Likely benign (1). 1 of the submissions does not count toward it. Last evaluated 2026-01-05.

Conditions:
Hereditary cancer-predisposing syndrome. Also called: Hereditary neoplastic syndrome; Hereditary Cancer Syndrome; Neoplastic Syndromes, Hereditary; Tumor predisposition. Identifiers: Orphanet 140162, MedGen C0027672, MeSH D009386, MONDO:0015356.
Microcephaly, normal intelligence and immunodeficiency (NBS). Also called: BERLIN BREAKAGE SYNDROME; SEEMANOVA SYNDROME II; Immunodeficiency, microcephaly with normal intelligence; Nijmegen breakage syndrome; Microcephaly with normal intelligence immunodeficiency and lymphoreticular malignancies; Nonsyndromal microcephaly autosomal recessive with normal intelligence. Identifiers: Orphanet 647, MedGen C0398791, MONDO:0009623, OMIM 251260.

Allele frequency attached by ClinVar (database versions not stated): gnomAD exomes below 0.00001; TOPMed below 0.00001; ExAC 0.00001.
gnomAD v4.1: 1 of 1,595,472 alleles (0.000063%); highest among the groups gnomAD compares: Non-Finnish European, 0.000086%; no homozygotes.

Submissions (7):

Labcorp Genetics (formerly Invitae), Labcorp
Classification: Uncertain significance for Microcephaly, normal intelligence and immunodeficiency. Last evaluated: 2026-01-05. Review status: criteria provided, single submitter. Criteria: Invitae Variant Classification Sherloc (09022015). Collection method: clinical testing. Allele origin: germline.
Comment: This sequence change replaces isoleucine, which is neutral and non-polar, with methionine, which is neutral and non-polar, at codon 614 of the NBN protein (p.Ile614Met). This variant is present in population databases (rs770345026, gnomAD 0.0009%). This variant has not been reported in the literature in individuals affected with NBN-related conditions. ClinVar contains an entry for this variant (Variation ID: 420214). An algorithm developed to predict the effect of missense changes on protein structure and function outputs the following: PolyPhen-2: "Benign". The methionine amino acid residue is found in multiple mammalian species, which suggests that this missense change does not adversely affect protein function. In summary, the available evidence is currently insufficient to determine the role of this variant in disease. Therefore, it has been classified as a Variant of Uncertain Significance.

Quest Diagnostics Nichols Institute San Juan Capistrano
Classification: Uncertain significance. Last evaluated: 2024-07-22. Review status: criteria provided, single submitter. Criteria: Quest Diagnostics criteria. Collection method: clinical testing. Allele origin: unknown.
Comment: The NBN c.1842A>G (p.Ile614Met) variant has not been reported in individuals with NBN-related conditions in the published literature. The frequency of this variant in the general population, 0.000004 (1/250658 chromosomes (Genome Aggregation Database)), is uninformative in the assessment of its pathogenicity. Analysis of this variant using bioinformatics tools for the prediction of the effect of amino acid changes on protein structure and function yielded predictions that this variant is benign. Based on the available information, we are unable to determine the clinical significance of this variant.

Ambry Genetics
Classification: Likely benign for Hereditary cancer-predisposing syndrome. Last evaluated: 2024-03-27. Review status: criteria provided, single submitter. Criteria: Ambry Variant Classification Scheme 2023. Collection method: clinical testing. Allele origin: germline.

Genome-Nilou Lab
Classification: Uncertain significance for Microcephaly, normal intelligence and immunodeficiency. Last evaluated: 2021-11-07. Review status: criteria provided, single submitter. Criteria: ACMG Guidelines, 2015. Collection method: clinical testing. Allele origin: germline. Affected: no.

Women's Health and Genetics/Laboratory Corporation of America, LabCorp
Classification: Uncertain significance. Last evaluated: 2019-04-04. Review status: criteria provided, single submitter. Criteria: LabCorp Variant Classification Summary - May 2015. Collection method: clinical testing. Allele origin: germline.
Comment: Variant summary: NBN c.1842A>G (p.Ile614Met) results in a conservative amino acid change in the encoded protein sequence. Five of five in-silico tools predict a benign effect of the variant on protein function. The variant allele was found at a frequency of 8.1e-06 in 245412 control chromosomes (gnomad). The available data on variant occurrences in the general population are insufficient to allow any conclusion about variant significance. To our knowledge, no occurrence of c.1842A>G in individuals affected with Nijmegen Breakage Syndrome and no experimental evidence demonstrating its impact on protein function have been reported. Three clinical diagnostic laboratories have submitted clinical-significance assessments for this variant to ClinVar after 2014 without evidence for independent evaluation. All laboratories classified the variant as uncertain significance. Based on the evidence outlined above, the variant was classified as uncertain significance.

GeneDx
Classification: Uncertain significance. Last evaluated: 2017-06-01. Review status: criteria provided, single submitter. Criteria: GeneDx Variant Classification (06012015). Collection method: clinical testing. Allele origin: germline. Affected: yes.
Comment: This variant is denoted NBN c.1842A>G at the cDNA level, p.Ile614Met (I614M) at the protein level, and results in the change of an Isoleucine to a Methionine (ATA>ATG). This variant has not, to our knowledge, been published in the literature as pathogenic or benign. NBN Ile614Met was not observed in approximately 6,500 individuals of European and African American ancestry in the NHLBI Exome Sequencing Project, suggesting it is not a common benign variant in these populations. Since Isoleucine and Methionine share similar properties, this is considered a conservative amino acid substitution. NBN Ile614Met occurs at a position that is not conserved and is not located in a known functional domain (Uniprot). In silico analyses predict that this variant is unlikely to alter protein structure or function. Based on currently available evidence, it is unclear whether NBN Ile614Met is a pathogenic or benign variant. We consider it to be a variant of uncertain significance.

Natera, Inc.
Classification: Uncertain significance for Nijmegen breakage syndrome. Last evaluated: 2021-01-20. Review status: no assertion criteria provided. Collection method: clinical testing. Allele origin: germline. Not counted in ClinVar's aggregate classification.

NM_002485.5(NBN):c.1842A>G (p.Ile614Met)

Gene: NBN (nibrin; minus strand). Cytogenetic location: 8q21.3.
Variant type: single nucleotide variant.
Coding change: c.1842A>G on transcript NM_002485.5 (MANE Select); coding-DNA position 1842, A replaced by G.
Protein change: p.Ile614Met; replaces isoleucine 614 with methionine.
Molecular consequence: missense variant.
Genome position (GRCh38, 1-based): chr8:89,953,247, T>C on the plus strand (A>G on the coding strand, the complement: NBN is on the minus strand). VCF-style: chr8-89953247-T-C. GRCh37 (hg19) VCF-style: chr8-90965475-T-C.
Other names: c.1596A>G, p.Ile532Met (NM_001024688.3); short protein forms I614M, I532M.
Identifiers: ClinVar variation 420214 (VCV000420214.27), dbSNP rs770345026, ClinGen allele CA4802680.
Genomic context (GRCh38, chr8:89,953,247, plus strand): 5'-ACCTGTTAGCATTCTAAGCTTCTATGTACTATACCTCTCATTTAAAATGTTACTTACAGA[T>C]ATTTTGCTACTTTCTGGTACTGCTTCATCACTGAAAGTGTCATTTGTTTCTATATCCATC-3'
Protein context (NP_002476.2, residues 604-624): SDEAVPESSK[Ile614Met]SQENEIGKKR